The following is an entry in ClinVar:

NM_021167.5(GATAD1):c.5C>T (p.Pro2Leu)

Genes: GATAD1 (GATA zinc finger domain containing 1; plus strand), LOC129998793 (ATAC-STARR-seq lymphoblastoid silent region 18371; plus strand). Cytogenetic location: 7q21.2.
Variant type: single nucleotide variant.
Coding change: c.5C>T on transcript NM_021167.5 (MANE Select); coding-DNA position 5, C replaced by T.
Protein change: p.Pro2Leu; replaces proline 2 with leucine.
Molecular consequence: missense variant. On other transcripts: non-coding transcript variant (1).
Genome position (GRCh38, 1-based): chr7:92,447,734, C>T. VCF-style: chr7-92447734-C-T. GRCh37 (hg19) VCF-style: chr7-92077048-C-T.
Other names: short protein forms P2L.
Identifiers: ClinVar variation 3280858 (VCV003280858.4).

ClinVar aggregate classification (germline): Uncertain significance. Review status: criteria provided, multiple submitters, no conflicts (2 of 4 stars). 2 submissions from 2 submitters: Uncertain significance (2). Last evaluated 2025-08-30.

Conditions:
Cardiovascular phenotype. Identifiers: MedGen CN230736.
Dilated cardiomyopathy 2B. Identifiers: Orphanet 154, MedGen C3553409, MONDO:0013848, OMIM 614672.

gnomAD v4.1: 5 of 1,480,736 alleles (0.00034%); highest among the groups gnomAD compares: East Asian, 0.003%; no homozygotes.

Submissions (2):

Ambry Genetics
Classification: Uncertain significance for Cardiovascular phenotype. Last evaluated: 2025-08-30. Review status: criteria provided, single submitter. Criteria: Ambry Variant Classification Scheme 2023. Collection method: clinical testing. Allele origin: germline.

Labcorp Genetics (formerly Invitae), Labcorp
Classification: Uncertain significance for Dilated cardiomyopathy 2B. Last evaluated: 2024-11-05. Review status: criteria provided, single submitter. Criteria: Invitae Variant Classification Sherloc (09022015). Collection method: clinical testing. Allele origin: germline.
Comment: This sequence change replaces proline, which is neutral and non-polar, with leucine, which is neutral and non-polar, at codon 2 of the GATAD1 protein (p.Pro2Leu). This variant is not present in population databases (gnomAD no frequency). This variant has not been reported in the literature in individuals affected with GATAD1-related conditions. An algorithm developed to predict the effect of missense changes on protein structure and function (PolyPhen-2) suggests that this variant is likely to be disruptive. In summary, the available evidence is currently insufficient to determine the role of this variant in disease. Therefore, it has been classified as a Variant of Uncertain Significance.